The following is an entry in ClinVar:

ClinVar aggregate classification (germline): Uncertain significance (1 of 4 stars; one submission).

Conditions:
Hereditary cancer-predisposing syndrome. Also called: Hereditary neoplastic syndrome; Neoplastic Syndromes, Hereditary; Tumor predisposition; Hereditary Cancer Syndrome. Identifiers: Orphanet 140162, MedGen C0027672, MeSH D009386, MONDO:0015356.

Submission:

Ambry Genetics
Classification: Uncertain significance for Hereditary cancer-predisposing syndrome. Last evaluated: 2017-10-23. Review status: criteria provided, single submitter. Criteria: Ambry Variant Classification Scheme 2023. Collection method: clinical testing. Allele origin: germline.
Comment: The p.C2735R variant (also known as c.8203T>C), located in coding exon 55 of the ATM gene, results from a T to C substitution at nucleotide position 8203. The cysteine at codon 2735 is replaced by arginine, an amino acid with highly dissimilar properties. This amino acid position is highly conserved in available vertebrate species. In addition, this alteration is predicted to be deleterious by in silico analysis. Since supporting evidence is limited at this time, the clinical significance of this alteration remains unclear.

NM_000051.4(ATM):c.8203T>C (p.Cys2735Arg)

Genes: ATM (ATM serine/threonine kinase; plus strand), C11orf65 (chromosome 11 open reading frame 65; minus strand). Cytogenetic location: 11q22.3.
Variant type: single nucleotide variant.
Coding change: c.8203T>C on transcript NM_000051.4 (MANE Select); coding-DNA position 8203, T replaced by C.
Protein change: p.Cys2735Arg; replaces cysteine 2735 with arginine.
Molecular consequence: missense variant. On other transcripts: intron variant (2).
Genome position (GRCh38, 1-based): chr11:108,335,896, T>C. VCF-style: chr11-108335896-T-C. GRCh37 (hg19) VCF-style: chr11-108206623-T-C.
Other names: c.8203T>C, p.Cys2735Arg (NM_001351834.2); c.641-26825A>G (NM_001330368.2); c.695-604A>G (NM_001351110.2); short protein forms C2735R.
Identifiers: ClinVar variation 1762450 (VCV001762450.2), dbSNP rs2136695842, ClinGen allele CA382562566.
Genomic context (GRCh38, chr11:108,335,896, plus strand): 5'-ATTCTGAAGGGCCGTGATGACCTGAGACAAGATGCTGTCATGCAACAGGTCTTCCAGATG[T>C]GTAATACATTACTGCAGAGAAACACGGAAACTAGGAAGAGGAAATTAACTATCTGTACTT-3'
Protein context (NP_000042.3, residues 2725-2745): DAVMQQVFQM[Cys2735Arg]NTLLQRNTET